The following is an entry in ClinVar:

ClinVar aggregate classification (germline): Conflicting classifications of pathogenicity. Review status: criteria provided, conflicting classifications (1 of 4 stars). 3 submissions from 3 submitters: Pathogenic (1); Likely pathogenic (1); Uncertain significance (1). Last evaluated 2024-03-17.

Conditions:
SUCLA2-related disorder. Also called: SUCLA2-related condition.
Mitochondrial DNA depletion syndrome, encephalomyopathic form with methylmalonic aciduria (MTDPS5). Also called: Mitochondrial encephalomyopathy aminoacidopathy; MITOCHONDRIAL DNA DEPLETION SYNDROME, ENCEPHALOMYOPATHIC FORM, WITH OR WITHOUT METHYLMALONIC ACIDURIA, AUTOSOMAL RECESSIVE, SUCLA2-RELATED; Mitochondrial DNA depletion syndrome 5 (encephalomyopathic with or without methylmalonic aciduria); SUCLA2-Related Mitochondrial DNA Depletion Syndrome, Encephalomyopathic Form with Methylmalonic Aciduria. Identifiers: Orphanet 1933, MedGen C5980207, MONDO:0012791, OMIM 612073.

Allele frequency attached by ClinVar (database versions not stated): gnomAD exomes 0.00001.

Submissions (3):

Genomic Medicine Center of Excellence, King Faisal Specialist Hospital and Research Centre
Classification: Uncertain significance for Mitochondrial DNA depletion syndrome, encephalomyopathic form with methylmalonic aciduria. Last evaluated: 2024-03-17. Review status: criteria provided, single submitter. Criteria: ACMG Guidelines, 2015. Collection method: research. Allele origin: germline.

PreventionGenetics, part of Exact Sciences
Classification: Pathogenic for SUCLA2-related condition. Last evaluated: 2022-09-19. Review status: criteria provided, single submitter. Criteria: ACMG Guidelines, 2015. Collection method: clinical testing. Allele origin: germline.
Comment: The SUCLA2 c.1219C>T variant is predicted to result in the amino acid substitution p.Arg407Trp. This variant has been reported in the homozygous state in individuals with Succinate-CoA ligase deficiency (Carrozzo et al. 2016. PubMed ID: 26475597; Garone et al. 2016. PubMed ID: 27651038; Martikainen et al. 2016. PubMed ID: 27111573; Gut et al. 2020. PubMed ID: 33230181; Alkhater et al. 2020. PubMed ID: 33231368). This variant is reported in 0.0033% of alleles in individuals of South Asian descent in gnomAD. This variant is interpreted as pathogenic.

Pathology and Clinical Laboratory Medicine, King Fahad Medical City
Classification: Likely pathogenic for Mitochondrial DNA depletion syndrome, encephalomyopathic form with methylmalonic aciduria. Review status: criteria provided, single submitter. Criteria: ACMG Guidelines, 2015. Collection method: clinical testing. Allele origin: germline. Affected: yes. Observed: 3 variant alleles.

NM_003850.3(SUCLA2):c.1219C>T (p.Arg407Trp)

Gene: SUCLA2 (succinate-CoA ligase ADP-forming subunit beta; minus strand). Cytogenetic location: 13q14.2.
Variant type: single nucleotide variant.
Coding change: c.1219C>T on transcript NM_003850.3 (MANE Select); coding-DNA position 1219, C replaced by T.
Protein change: p.Arg407Trp; replaces arginine 407 with tryptophan.
Molecular consequence: missense variant.
Genome position (GRCh38, 1-based): chr13:47,949,492, G>A on the plus strand (C>T on the coding strand, the complement: SUCLA2 is on the minus strand). VCF-style: chr13-47949492-G-A. GRCh37 (hg19) VCF-style: chr13-48523627-G-A.
Other names: short protein forms R407W.
Identifiers: ClinVar variation 1339498 (VCV001339498.5), dbSNP rs1233249991, ClinGen allele CA388249612.